The following is an entry in ClinVar:

NM_000257.4(MYH7):c.4021G>A (p.Asp1341Asn)

Gene: MYH7 (myosin heavy chain 7; minus strand). Cytogenetic location: 14q11.2.
Variant type: single nucleotide variant.
Coding change: c.4021G>A on transcript NM_000257.4 (MANE Select); coding-DNA position 4021, G replaced by A.
Protein change: p.Asp1341Asn; replaces aspartic acid 1341 with asparagine.
Molecular consequence: missense variant.
Genome position (GRCh38, 1-based): chr14:23,418,358, C>T on the plus strand (G>A on the coding strand, the complement: MYH7 is on the minus strand). VCF-style: chr14-23418358-C-T. GRCh37 (hg19) VCF-style: chr14-23887567-C-T.
Other names: short protein forms D1341N.
Identifiers: ClinVar variation 845800 (VCV000845800.16), dbSNP rs746724436, ClinGen allele CA040080.

ClinVar aggregate classification (germline): Uncertain significance. Review status: criteria provided, multiple submitters, no conflicts (2 of 4 stars). 7 submissions from 7 submitters: Uncertain significance (7). Last evaluated 2025-09-24.

Conditions:
Cardiovascular phenotype. Identifiers: MedGen CN230736.
Hypertrophic cardiomyopathy. Also called: HYPERTROPHIC MYOCARDIOPATHY. Identifiers: Orphanet 217569, MedGen C0007194, MeSH D002312, MONDO:0005045, HP:0001639.
MYH7-related disorder. Also called: MYH7-related condition; MYH7-related disease; MYH7-related disorders.
Cardiomyopathy (CMYO). Also called: Cardiomyopathies. Identifiers: Orphanet 167848, MedGen C0878544, MONDO:0004994, HP:0001638. Inheritance: Various modes of inheritance.

Allele frequency attached by ClinVar (database versions not stated): gnomAD 0.00001; TOPMed 0.00001.
gnomAD v4.1: 28 of 1,613,640 alleles (0.0017%); highest among the groups gnomAD compares: Non-Finnish European, 0.0021%; no homozygotes.

Submissions (7):

3billion
Classification: Uncertain significance for MYH7-related disorder. Last evaluated: 2025-09-24. Review status: criteria provided, single submitter. Criteria: ACMG Guidelines, 2015. Collection method: clinical testing. Allele origin: germline. Affected: yes.
Comment: The variant is observed at an extremely low frequency in the gnomAD v4.1.0 dataset (total allele frequency: 0.002%). Predicted Consequence/Location: Missense variant In silico tool prediction suggests damaging effect of the variant on gene or gene product [REVEL: 0.67 (>=0.6, sensitivity 0.68 and specificity 0.92)]. The variant has been reported as of uncertain significance (ClinVar ID: VCV000845800; PMID: 36788754; 3billion dataset). Different missense changes at the same codon have been reported as of uncertain significance (ClinVar ID: VCV001350868). Therefore, this variant is classified as VUS according to the recommendation of ACMG/AMP guideline.

Ambry Genetics
Classification: Uncertain significance for Cardiovascular phenotype. Last evaluated: 2025-09-16. Review status: criteria provided, single submitter. Criteria: Ambry Variant Classification Scheme 2023. Collection method: clinical testing. Allele origin: germline.
Comment: The p.D1341N variant (also known as c.4021G>A), located in coding exon 28 of the MYH7 gene, results from a G to A substitution at nucleotide position 4021. The aspartic acid at codon 1341 is replaced by asparagine, an amino acid with highly similar properties. This variant was reported in individual(s) with features consistent with dilated cardiomyopathy (Mazzarotto F et al. Circulation, 2020 Feb;141:387-398; Lenarduzzi S et al. Mol Genet Genomic Med, 2023 May;11:e2143; Ambry internal data). This amino acid position is highly conserved in available vertebrate species. In addition, this alteration is predicted to be tolerated by in silico analysis. Based on the available evidence, the clinical significance of this variant remains unclear.

Blueprint Genetics
Classification: Uncertain significance. Last evaluated: 2024-07-10. Review status: criteria provided, single submitter. Criteria: ACMG Guidelines, 2015. Collection method: clinical testing. Allele origin: germline.

Labcorp Genetics (formerly Invitae), Labcorp
Classification: Uncertain significance for Hypertrophic cardiomyopathy. Last evaluated: 2024-01-16. Review status: criteria provided, single submitter. Criteria: Invitae Variant Classification Sherloc (09022015). Collection method: clinical testing. Allele origin: germline.
Comment: This sequence change replaces aspartic acid, which is acidic and polar, with asparagine, which is neutral and polar, at codon 1341 of the MYH7 protein (p.Asp1341Asn). This variant is present in population databases (rs746724436, gnomAD 0.003%). This variant has not been reported in the literature in individuals affected with MYH7-related conditions. ClinVar contains an entry for this variant (Variation ID: 845800). Advanced modeling of protein sequence and biophysical properties (such as structural, functional, and spatial information, amino acid conservation, physicochemical variation, residue mobility, and thermodynamic stability) performed at Invitae indicates that this missense variant is expected to disrupt MYH7 protein function with a positive predictive value of 95%. In summary, the available evidence is currently insufficient to determine the role of this variant in disease. Therefore, it has been classified as a Variant of Uncertain Significance.

All of Us Research Program, National Institutes of Health
Classification: Uncertain significance for Cardiomyopathy. Last evaluated: 2023-08-15. Review status: criteria provided, single submitter. Criteria: ACMG Guidelines, 2015. Collection method: clinical testing. Allele origin: germline. Inheritance: Autosomal dominant inheritance. Observed: 1 variant allele, 1 heterozygote.
Comment: This study involves interpretation of variants in research participants for the purpose of population health screening. Participant phenotype was not available at the time of variant classification. Additional details can be found in publication PMID: 35346344, PMCID: PMC8962531

Color Diagnostics, LLC DBA Color Health
Classification: Uncertain significance for Cardiomyopathy. Last evaluated: 2020-01-01. Review status: criteria provided, single submitter. Criteria: ACMG Guidelines, 2015. Collection method: clinical testing. Allele origin: germline.
Comment: This missense variant replaces aspartic acid with asparagine at codon 1341 of the MYH7 protein. Computational prediction is inconclusive regarding the impact of this variant on protein structure and function (internally defined REVEL score threshold 0.5 < inconclusive < 0.7, PMID: 27666373). Splice site prediction tools suggest that this variant may not impact RNA splicing. To our knowledge, functional studies have not been performed for this variant. This variant has not been reported in individuals affected with cardiovascular disorders in the literature. This variant has been identified in 1/250756 chromosomes in the general population by the Genome Aggregation Database (gnomAD). The available evidence is insufficient to determine the role of this variant in disease conclusively. Therefore, this variant is classified as a Variant of Uncertain Significance.

CHEO Genetics Diagnostic Laboratory, Children's Hospital of Eastern Ontario
Classification: Uncertain significance for Cardiomyopathy. Last evaluated: 2019-06-14. Review status: criteria provided, single submitter. Criteria: ACMG Guidelines, 2015. Collection method: clinical testing. Allele origin: germline.

Literature cited by the submitters: PubMed 31983221 (cited by Ambry Genetics); PubMed 36788754 (cited by Ambry Genetics).